The following is an entry in ClinVar:

NM_014874.4(MFN2):c.1952C>G (p.Thr651Ser)

Gene: MFN2 (mitofusin 2; plus strand). Cytogenetic location: 1p36.22.
Variant type: single nucleotide variant.
Coding change: c.1952C>G on transcript NM_014874.4 (MANE Select); coding-DNA position 1952, C replaced by G.
Protein change: p.Thr651Ser; replaces threonine 651 with serine.
Molecular consequence: missense variant.
Genome position (GRCh38, 1-based): chr1:12,007,132, C>G. VCF-style: chr1-12007132-C-G. GRCh37 (hg19) VCF-style: chr1-12067189-C-G.
Other names: c.1952C>G, p.Thr651Ser (NM_001127660.2); short protein forms T651S.
Identifiers: ClinVar variation 1396903 (VCV001396903.7), dbSNP rs746502519, ClinGen allele CA599284.
Genomic context (GRCh38, chr1:12,007,132, plus strand): 5'-GGCGGCTCATTGCCCTCTCCTTTGGGCTCTATGGCCTCCTCTACGTCTATGAGCGTCTGA[C>G]CTGGACCACCAAGGCCAAGGAGAGGGCCTTCAAGCGCCAGTTTGTGGAGCATGCCAGCGA-3'
Protein context (NP_055689.1, residues 641-661): YGLLYVYERL[Thr651Ser]WTTKAKERAF

ClinVar aggregate classification (germline): Uncertain significance. Review status: criteria provided, multiple submitters, no conflicts (2 of 4 stars). 2 submissions from 2 submitters: Uncertain significance (2). Last evaluated 2026-08-06.

Conditions:
Multiple symmetric lipomatosis. Also called: LIPODYSTROPHY, CEPHALOTHORACIC; Launois-Bensaude syndrome; Madelung's disease; Madelung disease; Benign symmetrical lipomatosis. Identifiers: Orphanet 2398, MedGen C0023804, MONDO:0007908, OMIM 151800.
Charcot-Marie-Tooth disease type 2. Also called: Charcot-Marie-Tooth type 2. Identifiers: Orphanet 64746, MedGen C0270914, MONDO:0018993.

Allele frequency attached by ClinVar (database versions not stated): gnomAD exomes below 0.00001 and 0.00001; ExAC 0.00001.
gnomAD v4.1: 12 of 1,614,200 alleles (0.00074%); highest among the groups gnomAD compares: Non-Finnish European, 0.001%; no homozygotes.

Submissions (2):

OLLIN Analises Genomicas, OLLIN
Classification: Uncertain significance for Multiple symmetric lipomatosis. Last evaluated: 2026-08-06. Review status: criteria provided, single submitter. Criteria: ACMG Guidelines 2015 PMID 25741868. Collection method: clinical testing. Allele origin: germline. Inheritance: Autosomal dominant inheritance.
Comment: This missense variant, located in exon 17 (of 19), has been reported in ClinVar (accession VCV001396903.6) and in gnomAD with an allele frequency of 0.00074%. However, to our knowledge, it has not been reported in the scientific literature. In silico analysis predicts that this variant has a deleterious effect. This gene is constrained for missense variation. According to the currently available evidence, this variant has been classified as uncertain significance (PM2_P, PP2, PP3).

Labcorp Genetics (formerly Invitae), Labcorp
Classification: Uncertain significance for Charcot-Marie-Tooth disease type 2. Last evaluated: 2024-08-01. Review status: criteria provided, single submitter. Criteria: Invitae Variant Classification Sherloc (09022015). Collection method: clinical testing. Allele origin: germline.
Comment: This sequence change replaces threonine, which is neutral and polar, with serine, which is neutral and polar, at codon 651 of the MFN2 protein (p.Thr651Ser). This variant is present in population databases (rs746502519, gnomAD 0.0009%). This variant has not been reported in the literature in individuals affected with MFN2-related conditions. ClinVar contains an entry for this variant (Variation ID: 1396903). Advanced modeling of protein sequence and biophysical properties (such as structural, functional, and spatial information, amino acid conservation, physicochemical variation, residue mobility, and thermodynamic stability) has been performed at Invitae for this missense variant, however the output from this modeling did not meet the statistical confidence thresholds required to predict the impact of this variant on MFN2 protein function. In summary, the available evidence is currently insufficient to determine the role of this variant in disease. Therefore, it has been classified as a Variant of Uncertain Significance.